The following is an entry in ClinVar:

NM_001429.4(EP300):c.1761-4C>T

Gene: EP300 (EP300 lysine acetyltransferase; plus strand). Cytogenetic location: 22q13.2.
Variant type: single nucleotide variant.
Coding change: c.1761-4C>T on transcript NM_001429.4 (MANE Select); 4 bases into the intron before coding-DNA position 1761, C replaced by T.
Molecular consequence: intron variant.
Genome position (GRCh38, 1-based): chr22:41,140,136, C>T. VCF-style: chr22-41140136-C-T. GRCh37 (hg19) VCF-style: chr22-41536140-C-T.
Other names: c.1761-4C>T (NM_001362843.2).
Identifiers: ClinVar variation 4980819 (VCV004980819.1).

ClinVar aggregate classification (germline): Likely benign (1 of 4 stars; one submission).

Conditions:
EP300-related disorder. Also called: EP300-related condition; EP300-related disorders.

gnomAD v4.1: 9 of 1,607,730 alleles (0.00056%); highest among the groups gnomAD compares: Non-Finnish European, 0.00077%; no homozygotes.

Submission:

PreventionGenetics, part of Exact Sciences
Classification: Likely benign for EP300-related condition. Last evaluated: 2025-06-18. Review status: criteria provided, single submitter. Criteria: ACMG Guidelines, 2015. Collection method: clinical testing. Allele origin: germline.
Comment: This variant is classified as likely benign based on ACMG/AMP sequence variant interpretation guidelines (Richards et al. 2015 PMID: 25741868, with internal and published modifications).